The following is an entry in ClinVar:

ClinVar aggregate classification (germline): Uncertain significance (1 of 4 stars; one submission).

Allele frequency attached by ClinVar (database versions not stated): gnomAD exomes below 0.00001 and 0.00001; TOPMed below 0.00001; ExAC 0.00001; gnomAD 0.00001.

Submission:

Labcorp Genetics (formerly Invitae), Labcorp
Classification: Uncertain significance. Last evaluated: 2021-05-07. Review status: criteria provided, single submitter. Criteria: Invitae Variant Classification Sherloc (09022015). Collection method: clinical testing. Allele origin: germline.
Comment: Algorithms developed to predict the effect of missense changes on protein structure and function are either unavailable or do not agree on the potential impact of this missense change (SIFT: "Deleterious"; PolyPhen-2: "Benign"; Align-GVGD: "Class C55"). This variant has not been reported in the literature in individuals with ACTN4-related conditions. This variant is present in population databases (rs762475438, ExAC 0.006%). This sequence change replaces alanine with threonine at codon 547 of the ACTN4 protein (p.Ala547Thr). The alanine residue is highly conserved and there is a small physicochemical difference between alanine and threonine. In summary, the available evidence is currently insufficient to determine the role of this variant in disease. Therefore, it has been classified as a Variant of Uncertain Significance.

NM_004924.6(ACTN4):c.1639G>A (p.Ala547Thr)

Gene: ACTN4 (actinin alpha 4; plus strand). Cytogenetic location: 19q13.2.
Variant type: single nucleotide variant.
Coding change: c.1639G>A on transcript NM_004924.6 (MANE Select); coding-DNA position 1639, G replaced by A.
Protein change: p.Ala547Thr; replaces alanine 547 with threonine.
Molecular consequence: missense variant.
Genome position (GRCh38, 1-based): chr19:38,724,024, G>A. VCF-style: chr19-38724024-G-A. GRCh37 (hg19) VCF-style: chr19-39214664-G-A.
Other names: c.1639G>A, p.Ala547Thr (NM_001322033.2); short protein forms A547T.
Identifiers: ClinVar variation 1042228 (VCV001042228.7), dbSNP rs762475438, ClinGen allele CA9417732.
Genomic context (GRCh38, chr19:38,724,024, plus strand): 5'-GACCAGCTGCACCTGGAATACGCCAAGCGCGCGGCCCCCTTCAACAACTGGATGGAGAGC[G>A]CCATGGAGGACCTCCAGGACATGTTCATCGTCCATACCATCGAGGAGATTGAGGTTCGCA-3'
Protein context (NP_004915.2, residues 537-557): AAPFNNWMES[Ala547Thr]MEDLQDMFIV